The following is an entry in ClinVar:

NM_007294.4(BRCA1):c.5153-30T>C

Gene: BRCA1 (BRCA1 DNA repair associated; minus strand). Cytogenetic location: 17q21.31.
Variant type: single nucleotide variant.
Coding change: c.5153-30T>C on transcript NM_007294.4 (MANE Select); 30 bases into the intron before coding-DNA position 5153, T replaced by C.
Molecular consequence: intron variant.
Genome position (GRCh38, 1-based): chr17:43,063,403, A>G on the plus strand (T>C on the coding strand, the complement: BRCA1 is on the minus strand). VCF-style: chr17-43063403-A-G. GRCh37 (hg19) VCF-style: chr17-41215420-A-G.
Other names: c.1700-30T>C (NM_001408458.1, NM_001408461.1, NM_001408464.1 and 7 more transcripts); c.4262-30T>C (NM_001407967.1); c.4772-30T>C (NM_001407959.1); c.4886-30T>C (NM_001407931.1, NM_001407932.1, NM_001407928.1 and 4 more transcripts); c.5009-30T>C (NM_001407747.1, NM_001407745.1, NM_001407737.1 and 21 more transcripts); c.4769-30T>C (NM_001407962.1, NM_001407960.1); c.1340-30T>C (NM_001408512.1); c.1463-30T>C (NM_001408510.1); and 72 more.
Identifiers: ClinVar variation 867404 (VCV000867404.3), dbSNP rs2051879345, ClinGen allele CA916080114.

Conditions:
Breast-ovarian cancer, familial, susceptibility to, 1 (BROVCA1). Also called: BRCA1 Hereditary Breast and Ovarian Cancer; OVARIAN CANCER, SUSCEPTIBILITY TO. Identifiers: Orphanet 145, MedGen C2676676, MONDO:0011450, OMIM 604370. Disease mechanism: loss of function.

Submission:

Brotman Baty Institute, University of Washington
No classification provided (evidence only). Condition: Breast-ovarian cancer, familial 1. Review status: no classification provided. Collection method: in vitro. Allele origin: not applicable. Functional consequence: functionally_normal.
ClinVar note: "not provided" was previously submitted as the classification for the variant. However, the classification appeared to be based only on an observation of functional data so it was converted to no classification on 2025-07-30.